The following is an entry in ClinVar:

NM_000878.5(IL2RB):c.234C>T (p.Pro78=)

Gene: IL2RB (interleukin 2 receptor subunit beta; minus strand). Cytogenetic location: 22q12.3.
Variant type: single nucleotide variant.
Coding change: c.234C>T on transcript NM_000878.5 (MANE Select); coding-DNA position 234, C replaced by T.
Protein change: p.Pro78=; no amino-acid change (proline 78 retained).
Molecular consequence: synonymous variant.
Genome position (GRCh38, 1-based): chr22:37,142,482, G>A on the plus strand (C>T on the coding strand, the complement: IL2RB is on the minus strand). VCF-style: chr22-37142482-G-A. GRCh37 (hg19) VCF-style: chr22-37538522-G-A.
Other names: c.234C>T (NM_000878.4); c.234C>T, p.Pro78= (NM_001346222.1, NM_001346223.2).
Identifiers: ClinVar variation 1078584 (VCV001078584.35), dbSNP rs111730897, ClinGen allele CA10216685.

ClinVar aggregate classification (germline): Likely benign. Review status: criteria provided, multiple submitters, no conflicts (2 of 4 stars). 5 submissions from 5 submitters: Likely benign (4). 1 of the submissions does not count toward it. Last evaluated 2026-01-14.

Conditions:
IL2RB-related disorder. Also called: IL2RB-related condition.

Allele frequency attached by ClinVar (database versions not stated): 1000 Genomes Project 30x 0.00016; 1000 Genomes Project 0.00020; ESP Exome Variant Server 0.00023; ExAC 0.00040; gnomAD 0.00040 and 0.00041; TOPMed 0.00043; gnomAD exomes 0.00046 and 0.00070.
gnomAD v4.1: 1,087 of 1,614,130 alleles (0.067%); highest among the groups gnomAD compares: Middle Eastern, 0.21%; no homozygotes.

Submissions (5):

Labcorp Genetics (formerly Invitae), Labcorp
Classification: Likely benign. Last evaluated: 2026-01-14. Review status: criteria provided, single submitter. Criteria: Invitae Variant Classification Sherloc (09022015). Collection method: clinical testing. Allele origin: germline.

Blueprint Genetics
Classification: Likely benign. Last evaluated: 2024-11-27. Review status: criteria provided, single submitter. Criteria: ACMG Guidelines, 2015. Collection method: clinical testing. Allele origin: germline.

CeGaT Center for Human Genetics Tuebingen
Classification: Likely benign. Last evaluated: 2023-09-01. Review status: criteria provided, single submitter. Criteria: CeGaT Center For Human Genetics Tuebingen Variant Classification Criteria Version 2. Collection method: clinical testing. Allele origin: germline. Affected: yes. Observed: 2 variant alleles.
Comment: IL2RB: BP4, BP7

Breakthrough Genomics
Classification: Likely benign. Review status: criteria provided, single submitter. Criteria: ACMG Guidelines, 2015. Collection method: not provided. Allele origin: germline. Inheritance: Autosomal recessive inheritance. Affected: yes.

PreventionGenetics, part of Exact Sciences
Classification: Likely benign for IL2RB-related condition. Last evaluated: 2023-04-25. Review status: no assertion criteria provided. Collection method: clinical testing. Allele origin: germline. Not counted in ClinVar's aggregate classification.
Comment: This variant is classified as likely benign based on ACMG/AMP sequence variant interpretation guidelines (Richards et al. 2015 PMID: 25741868, with internal and published modifications).